The following is an entry in ClinVar:

ClinVar aggregate classification (germline): Uncertain significance (1 of 4 stars; one submission).

Allele frequency attached by ClinVar (database versions not stated): TOPMed below 0.00001; ExAC 0.00002; gnomAD exomes 0.00002.
gnomAD v4.1: 25 of 1,612,546 alleles (0.0016%); highest among the groups gnomAD compares: Non-Finnish European, 0.0019%; no homozygotes.

Submission:

Labcorp Genetics (formerly Invitae), Labcorp
Classification: Uncertain significance. Last evaluated: 2022-04-30. Review status: criteria provided, single submitter. Criteria: Invitae Variant Classification Sherloc (09022015). Collection method: clinical testing. Allele origin: germline.
Comment: In summary, the available evidence is currently insufficient to determine the role of this variant in disease. Therefore, it has been classified as a Variant of Uncertain Significance. Algorithms developed to predict the effect of missense changes on protein structure and function (SIFT, PolyPhen-2, Align-GVGD) all suggest that this variant is likely to be tolerated. This variant has not been reported in the literature in individuals affected with HMCN1-related conditions. This variant is present in population databases (rs770505068, gnomAD 0.004%). This sequence change replaces glutamine, which is neutral and polar, with arginine, which is basic and polar, at codon 2521 of the HMCN1 protein (p.Gln2521Arg).

NM_031935.3(HMCN1):c.7562A>G (p.Gln2521Arg)

Gene: HMCN1 (hemicentin 1; plus strand). Cytogenetic location: 1q31.1.
Variant type: single nucleotide variant.
Coding change: c.7562A>G on transcript NM_031935.3 (MANE Select); coding-DNA position 7562, A replaced by G.
Protein change: p.Gln2521Arg; replaces glutamine 2521 with arginine.
Molecular consequence: missense variant.
Genome position (GRCh38, 1-based): chr1:186,065,286, A>G. VCF-style: chr1-186065286-A-G. GRCh37 (hg19) VCF-style: chr1-186034418-A-G.
Other names: short protein forms Q2521R.
Identifiers: ClinVar variation 1927428 (VCV001927428.5), dbSNP rs770505068, ClinGen allele CA1292889.